The following is an entry in ClinVar:

NM_000089.4(COL1A2):c.936+46G>A

Gene: COL1A2 (collagen type I alpha 2 chain; plus strand). Cytogenetic location: 7q21.3.
Variant type: single nucleotide variant.
Coding change: c.936+46G>A on transcript NM_000089.4 (MANE Select); 46 bases into the intron after coding-DNA position 936, G replaced by A.
Molecular consequence: intron variant.
Genome position (GRCh38, 1-based): chr7:94,409,654, G>A. VCF-style: chr7-94409654-G-A. GRCh37 (hg19) VCF-style: chr7-94038966-G-A.
Identifiers: ClinVar variation 674979 (VCV000674979.2), dbSNP rs28754326, ClinGen allele CA4346883.
Genomic context (GRCh38, chr7:94,409,654, plus strand): 5'-GCCAAGGGTGCTGCTGTGAGTATACCTGCGTAGCTAAAATGTGCTGCTATGATTTTAAAG[G>A]CATTTAATGTGTGCTGCCTCTACAGCCCATCACCTCCCTAATGGACCACACTGCATTTTC-3'

ClinVar aggregate classification (germline): Benign. Review status: criteria provided, multiple submitters, no conflicts (2 of 4 stars). 2 submissions from 2 submitters: Benign (2). Last evaluated 2018-06-19.

Allele frequency attached by ClinVar (database versions not stated): gnomAD exomes 0.10105; ExAC 0.10561; 1000 Genomes Project 0.12979; 1000 Genomes Project 30x 0.13382; gnomAD 0.14729 and 0.15342; TOPMed 0.15653; ESP Exome Variant Server 0.15977.
gnomAD v4.1: 181,921 of 1,613,546 alleles (11%); highest among the groups gnomAD compares: African/African-American, 26%; 11,511 homozygotes.

Submissions (2):

GeneDx
Classification: Benign. Last evaluated: 2018-06-19. Review status: criteria provided, single submitter. Criteria: GeneDx Variant Classification (06012015). Collection method: clinical testing. Allele origin: germline. Affected: yes.
Comment: This variant is considered likely benign or benign based on one or more of the following criteria: it is a conservative change, it occurs at a poorly conserved position in the protein, it is predicted to be benign by multiple in silico algorithms, and/or has population frequency not consistent with disease.

Breakthrough Genomics
Classification: Benign. Review status: criteria provided, single submitter. Criteria: ACMG Guidelines, 2015. Collection method: not provided. Allele origin: germline. Inheritance: Autosomal recessive inheritance. Affected: yes.